The following is an entry in ClinVar:

ClinVar aggregate classification (germline): Uncertain significance. Review status: criteria provided, single submitter (1 of 4 stars). 2 submissions from 2 submitters: Uncertain significance (1). 1 of the submissions does not count toward it. Last evaluated 2022-01-01.

Conditions:
Ritscher-Schinzel syndrome 2. Identifiers: Orphanet 7, MedGen C4225419, MONDO:0010499, OMIM 300963.
CCDC22-related disorder. Also called: CCDC22-related condition.

Submissions (2):

Provincial Medical Genetics Program of British Columbia, University of British Columbia
Classification: Uncertain significance for Ritscher-Schinzel syndrome 2. Last evaluated: 2022-01-01. Review status: criteria provided, single submitter. Criteria: ACMG Guidelines, 2015. Collection method: clinical testing. Allele origin: maternal. Affected: yes.

PreventionGenetics, part of Exact Sciences
Classification: Uncertain significance for CCDC22-related condition. Last evaluated: 2024-02-23. Review status: no assertion criteria provided. Collection method: clinical testing. Allele origin: germline. Not counted in ClinVar's aggregate classification.
Comment: The CCDC22 c.2T>C variant is predicted to disrupt the translation initiation site (Start loss). This variant was reported in a fetus with structural abnormalities consistent with Ritscher-Schinzel syndrome (Cornthwaite et al. 2022. PubMed ID: 36068917). Loss-of-function is not an established mechanism of CCDC22-related disease. This variant has not been reported in a large population database, indicating this variant is rare. Although we suspect that this variant may be pathogenic, at this time, the clinical significance of this variant is uncertain due to the absence of conclusive functional and genetic evidence.

NM_014008.5(CCDC22):c.2T>C (p.Met1Thr)

Gene: CCDC22 (CCC complex scaffolding subunit CCDC22; plus strand). Cytogenetic location: Xp11.23.
Variant type: single nucleotide variant.
Coding change: c.2T>C on transcript NM_014008.5 (MANE Select); coding-DNA position 2, T replaced by C.
Protein change: p.Met1Thr; changes the start codon (methionine 1).
Molecular consequence: missense variant, initiator codon variant.
Genome position (GRCh38, 1-based): chrX:49,235,638, T>C. VCF-style: chrX-49235638-T-C. GRCh37 (hg19) VCF-style: chrX-49092098-T-C.
Other names: short protein forms M1T.
Identifiers: ClinVar variation 1527951 (VCV001527951.5), dbSNP rs2147932882, ClinGen allele CA412930867.